The following is an entry in ClinVar:

ClinVar aggregate classification (germline): Pathogenic (1 of 4 stars; one submission).

Submission:

Labcorp Genetics (formerly Invitae), Labcorp
Classification: Pathogenic. Last evaluated: 2023-05-13. Review status: criteria provided, single submitter. Criteria: Invitae Variant Classification Sherloc (09022015). Collection method: clinical testing. Allele origin: unknown.
Comment: For these reasons, this variant has been classified as Pathogenic. This variant has not been reported in the literature in individuals affected with TMC1-related conditions. A gross deletion of the genomic region encompassing the full coding sequence of the TMC1 gene has been identified. Loss-of-function variants in TMC1 are known to be pathogenic (PMID: 11850618, 22105175). The boundaries of this event are unknown as they extend beyond the assayed region for this gene and therefore may encompass additional genes.

Literature cited by the submitters: PubMed 11850618; PubMed 22105175.

NC_000009.11:g.(?_75231331)_(75450889_?)del

Gene: TMC1 (transmembrane channel like 1; plus strand). Cytogenetic location: 9q21.13.
Variant type: Deletion.
Identifiers: ClinVar variation 3245394 (VCV003245394.1).